The following is an entry in ClinVar:

ClinVar aggregate classification (germline): Likely pathogenic (1 of 4 stars; one submission).

Conditions:
TH-deficient dopa-responsive dystonia. Also called: Tyrosine Hydroxylase-Deficient Dopa-Responsive Dystonia; Segawa syndrome, autosomal recessive; DYT-TH. Identifiers: Orphanet 101150, MedGen C2673535, MONDO:0011551, OMIM 605407.

gnomAD v4.1: 3 of 1,611,664 alleles (0.00019%); highest among the groups gnomAD compares: Non-Finnish European, 0.00025%; no homozygotes.

Submission:

Natera, Inc.
Classification: Likely pathogenic for Autosomal recessive Segawa syndrome. Last evaluated: 2026-01-23. Review status: criteria provided, single submitter. Criteria: Natera Variant Classification Schema (03/2026). Collection method: clinical testing. Allele origin: germline.
Comment: The c.1198-2A>T variant in TH is a canonical splice acceptor site variant predicted to affect pre-mRNA splicing, which may result in an abnormal transcript and altered protein product. This variant is expected to result in nonsense mediated decay, truncation, or a dysfunctional protein product. This variant is rare in the general population with a frequency below the threshold expected for the associated phenotype(s). Given the available evidence, this variant is classified as Likely Pathogenic.

NM_000360.4(TH):c.1105-2A>T

Gene: TH (tyrosine hydroxylase; minus strand). Cytogenetic location: 11p15.5.
Variant type: single nucleotide variant.
Coding change: c.1105-2A>T on transcript NM_000360.4 (MANE Select); the canonical splice acceptor site of the intron before coding-DNA position 1105, A replaced by T.
Molecular consequence: splice acceptor variant.
Genome position (GRCh38, 1-based): chr11:2,165,765, T>A on the plus strand (A>T on the coding strand, the complement: TH is on the minus strand). VCF-style: chr11-2165765-T-A. GRCh37 (hg19) VCF-style: chr11-2186995-T-A.
Other names: c.823-2A>T (NM_001440537.1); c.1186-2A>T (NM_199293.3); c.835-2A>T (NM_001440536.1); c.1117-2A>T (NM_001440535.1); c.1198-2A>T (NM_199292.3).
Identifiers: ClinVar variation 4817043 (VCV004817043.1).